The following is an entry in ClinVar:

ClinVar aggregate classification (germline): Conflicting classifications of pathogenicity. Review status: criteria provided, conflicting classifications (1 of 4 stars). 3 submissions from 3 submitters: Uncertain significance (1); Likely benign (1). 1 of the submissions does not count toward it. Last evaluated 2025-10-26.

Conditions:
FAT2-related disorder. Also called: FAT2-related condition.

Allele frequency attached by ClinVar (database versions not stated): ESP Exome Variant Server 0.00008; gnomAD 0.00010; gnomAD exomes 0.00011; TOPMed 0.00013; ExAC 0.00016.
gnomAD v4.1: 173 of 1,614,164 alleles (0.011%); highest among the groups gnomAD compares: Admixed American, 0.06%; no homozygotes.

Submissions (3):

Labcorp Genetics (formerly Invitae), Labcorp
Classification: Uncertain significance. Last evaluated: 2025-10-26. Review status: criteria provided, single submitter. Criteria: Invitae Variant Classification Sherloc (09022015). Collection method: clinical testing. Allele origin: germline.
Comment: This sequence change replaces arginine, which is basic and polar, with glutamine, which is neutral and polar, at codon 2728 of the FAT2 protein (p.Arg2728Gln). This variant is present in population databases (rs138808784, gnomAD 0.07%), and has an allele count higher than expected for a pathogenic variant. This variant has not been reported in the literature in individuals affected with FAT2-related conditions. ClinVar contains an entry for this variant (Variation ID: 2065097). Invitae Evidence Modeling of protein sequence and biophysical properties (such as structural, functional, and spatial information, amino acid conservation, physicochemical variation, residue mobility, and thermodynamic stability) indicates that this missense variant is expected to disrupt FAT2 protein function with a positive predictive value of 80%. In summary, the available evidence is currently insufficient to determine the role of this variant in disease. Therefore, it has been classified as a Variant of Uncertain Significance.

Ambry Genetics
Classification: Likely benign. Last evaluated: 2022-10-26. Review status: criteria provided, single submitter. Criteria: Ambry Variant Classification Scheme 2023. Collection method: clinical testing. Allele origin: germline.

PreventionGenetics, part of Exact Sciences
Classification: Likely benign for FAT2-related condition. Last evaluated: 2023-05-25. Review status: no assertion criteria provided. Collection method: clinical testing. Allele origin: germline. Not counted in ClinVar's aggregate classification.
Comment: This variant is classified as likely benign based on ACMG/AMP sequence variant interpretation guidelines (Richards et al. 2015 PMID: 25741868, with internal and published modifications).

NM_001447.3(FAT2):c.8183G>A (p.Arg2728Gln)

Genes: FAT2 (FAT atypical cadherin 2; minus strand), SLC36A1 (solute carrier family 36 member 1; plus strand). Cytogenetic location: 5q33.1.
Variant type: single nucleotide variant.
Coding change: c.8183G>A on transcript NM_001447.3 (MANE Select); coding-DNA position 8183, G replaced by A.
Protein change: p.Arg2728Gln; replaces arginine 2728 with glutamine.
Molecular consequence: missense variant.
Genome position (GRCh38, 1-based): chr5:151,542,944, C>T on the plus strand (G>A on the coding strand, the complement: FAT2 is on the minus strand). VCF-style: chr5-151542944-C-T. GRCh37 (hg19) VCF-style: chr5-150922505-C-T.
Other names: short protein forms R2728Q.
Identifiers: ClinVar variation 2065097 (VCV002065097.7), dbSNP rs138808784, ClinGen allele CA3520840.